The following is an entry in ClinVar:

ClinVar aggregate classification (germline): Uncertain significance (1 of 4 stars; one submission).

Submission:

Labcorp Genetics (formerly Invitae), Labcorp
Classification: Uncertain significance. Last evaluated: 2025-05-13. Review status: criteria provided, single submitter. Criteria: Invitae Variant Classification Sherloc (09022015). Collection method: clinical testing. Allele origin: germline.
Comment: This sequence change replaces valine, which is neutral and non-polar, with isoleucine, which is neutral and non-polar, at codon 321 of the PPP3CA protein (p.Val321Ile). This variant is present in population databases (rs768159553, gnomAD 0.0009%). This variant has not been reported in the literature in individuals affected with PPP3CA-related conditions. Invitae Evidence Modeling of protein sequence and biophysical properties (such as structural, functional, and spatial information, amino acid conservation, physicochemical variation, residue mobility, and thermodynamic stability) indicates that this missense variant is not expected to disrupt PPP3CA protein function with a negative predictive value of 80%. In summary, the available evidence is currently insufficient to determine the role of this variant in disease. Therefore, it has been classified as a Variant of Uncertain Significance.

NM_000944.5(PPP3CA):c.961G>A (p.Val321Ile)

Gene: PPP3CA (protein phosphatase 3 catalytic subunit alpha; minus strand). Cytogenetic location: 4q24.
Variant type: single nucleotide variant.
Coding change: c.961G>A on transcript NM_000944.5 (MANE Select); coding-DNA position 961, G replaced by A.
Protein change: p.Val321Ile; replaces valine 321 with isoleucine.
Molecular consequence: missense variant. On other transcripts: intron variant (1).
Genome position (GRCh38, 1-based): chr4:101,063,352, C>T on the plus strand (G>A on the coding strand, the complement: PPP3CA is on the minus strand). VCF-style: chr4-101063352-C-T. GRCh37 (hg19) VCF-style: chr4-101984509-C-T.
Other names: c.961G>A, p.Val321Ile (NM_001130691.2); c.956-2191G>A (NM_001130692.2); short protein forms V321I.
Identifiers: ClinVar variation 4765628 (VCV004765628.1).